The following is an entry in ClinVar:

ClinVar aggregate classification (germline): Uncertain significance (1 of 4 stars; one submission).

Submission:

Labcorp Genetics (formerly Invitae), Labcorp
Classification: Uncertain significance. Last evaluated: 2022-08-09. Review status: criteria provided, single submitter. Criteria: Invitae Variant Classification Sherloc (09022015). Collection method: clinical testing. Allele origin: germline.
Comment: This sequence change replaces phenylalanine, which is neutral and non-polar, with serine, which is neutral and polar, at codon 129 of the USH2A protein (p.Phe129Ser). This variant is not present in population databases (gnomAD no frequency). This missense change has been observed in individual(s) with retinitis pigmentosa (PMID: 32675063). Algorithms developed to predict the effect of missense changes on protein structure and function are either unavailable or do not agree on the potential impact of this missense change (SIFT: "Deleterious"; PolyPhen-2: "Probably Damaging"; Align-GVGD: "Class C0"). In summary, the available evidence is currently insufficient to determine the role of this variant in disease. Therefore, it has been classified as a Variant of Uncertain Significance.

Literature cited by the submitters: PubMed 32675063.

NM_206933.4(USH2A):c.386T>C (p.Phe129Ser)

Gene: USH2A (usherin; minus strand). Cytogenetic location: 1q41.
Variant type: single nucleotide variant.
Coding change: c.386T>C on transcript NM_206933.4 (MANE Select); coding-DNA position 386, T replaced by C.
Protein change: p.Phe129Ser; replaces phenylalanine 129 with serine.
Molecular consequence: missense variant.
Genome position (GRCh38, 1-based): chr1:216,421,951, A>G on the plus strand (T>C on the coding strand, the complement: USH2A is on the minus strand). VCF-style: chr1-216421951-A-G. GRCh37 (hg19) VCF-style: chr1-216595293-A-G.
Other names: c.386T>C, p.Phe129Ser (NM_007123.6); short protein forms F129S.
Identifiers: ClinVar variation 2098127 (VCV002098127.1), dbSNP rs2527653980, ClinGen allele CA344904051.